The following is an entry in ClinVar:

ClinVar aggregate classification (germline): Benign. Review status: criteria provided, multiple submitters, no conflicts (2 of 4 stars). 3 submissions from 3 submitters: Benign (2). 1 of the submissions does not count toward it. Last evaluated 2019-12-31.

Conditions:
CDH19-related disorder. Also called: CDH19-related condition.

Allele frequency attached by ClinVar (database versions not stated): 1000 Genomes Project 30x 0.00406; 1000 Genomes Project 0.00419; TOPMed 0.00440; ESP Exome Variant Server 0.00492; gnomAD 0.00561.
gnomAD v4.1: 9,886 of 1,612,846 alleles (0.61%); highest among the groups gnomAD compares: Non-Finnish European, 0.69%; 50 homozygotes.

Submissions (3):

Labcorp Genetics (formerly Invitae), Labcorp
Classification: Benign. Last evaluated: 2019-12-31. Review status: criteria provided, single submitter. Criteria: Invitae Variant Classification Sherloc (09022015). Collection method: clinical testing. Allele origin: germline.

Breakthrough Genomics
Classification: Benign. Review status: criteria provided, single submitter. Criteria: ACMG Guidelines, 2015. Collection method: not provided. Allele origin: germline. Inheritance: Unknown mechanism. Affected: yes.

PreventionGenetics, part of Exact Sciences
Classification: Likely benign for CDH19-related condition. Last evaluated: 2019-02-28. Review status: no assertion criteria provided. Collection method: clinical testing. Allele origin: germline. Not counted in ClinVar's aggregate classification.
Comment: This variant is classified as likely benign based on ACMG/AMP sequence variant interpretation guidelines (Richards et al. 2015 PMID: 25741868, with internal and published modifications).

NM_021153.4(CDH19):c.1674G>A (p.Pro558=)

Gene: CDH19 (cadherin 19; minus strand). Cytogenetic location: 18q22.1.
Variant type: single nucleotide variant.
Coding change: c.1674G>A on transcript NM_021153.4 (MANE Select); coding-DNA position 1674, G replaced by A.
Protein change: p.Pro558=; no amino-acid change (proline 558 retained).
Molecular consequence: synonymous variant. On other transcripts: non-coding transcript variant (1), intron variant (1).
Genome position (GRCh38, 1-based): chr18:66,509,149, C>T on the plus strand (G>A on the coding strand, the complement: CDH19 is on the minus strand). VCF-style: chr18-66509149-C-T. GRCh37 (hg19) VCF-style: chr18-64176386-C-T.
Other names: c.1459-3847G>A (NM_001271028.2).
Identifiers: ClinVar variation 770649 (VCV000770649.7), dbSNP rs150353589, ClinGen allele CA8991772.